The following is an entry in ClinVar:

NM_001040142.2(SCN2A):c.5125del (p.Gln1709fs)

Gene: SCN2A (sodium voltage-gated channel alpha subunit 2; plus strand). Cytogenetic location: 2q24.3.
Variant type: Deletion.
Coding change: c.5125del on transcript NM_001040142.2 (MANE Select); coding-DNA position 5125, one base deleted (C; older notation c.5125delC).
Protein change: p.Gln1709fs; shifts the reading frame from glutamine 1709.
Molecular consequence: frameshift variant.
Genome position (GRCh38, 1-based): chr2:165,388,931, C deleted; the last of 2 consecutive C bases (chr2:165,388,930-165,388,931); deleting either gives the same sequence. VCF-style (leftmost placement, unchanged base first): chr2-165388929-TC-T. GRCh37 (hg19) VCF-style: chr2-166245439-TC-T.
Other names: c.5125del, p.Gln1709fs (NM_001371246.1, NM_001371247.1, NM_021007.3 and 1 more transcripts); c.5125delC (NM_021007.2); short protein forms Q1709fs.
Identifiers: ClinVar variation 464914 (VCV000464914.9), dbSNP rs1553463516, ClinGen allele CA658657097.

ClinVar aggregate classification (germline): Pathogenic (1 of 4 stars; one submission).

Conditions:
Developmental and epileptic encephalopathy, 11 (DEE11). Also called: Early infantile epileptic encephalopathy 11. Identifiers: Orphanet 1934, MedGen C3150987, MONDO:0013388, OMIM 613721.
Seizures, benign familial infantile, 3 (BFIS3). Also called: CONVULSIONS, BENIGN FAMILIAL INFANTILE, 3; Familial neonatal seizures. Identifiers: Orphanet 140927, Orphanet 306, MedGen C1843140, MONDO:0011904, OMIM 607745.

Submission:

Labcorp Genetics (formerly Invitae), Labcorp
Classification: Pathogenic for Seizures, benign familial infantile, 3; Developmental and epileptic encephalopathy, 11. Last evaluated: 2023-07-14. Review status: criteria provided, single submitter. Criteria: Invitae Variant Classification Sherloc (09022015). Collection method: clinical testing. Allele origin: germline.
Comment: For these reasons, this variant has been classified as Pathogenic. This variant disrupts a region of the SCN2A protein in which other variant(s) (p.Ala1773Thr) have been determined to be pathogenic (Invitae). This suggests that this is a clinically significant region of the protein, and that variants that disrupt it are likely to be disease-causing. ClinVar contains an entry for this variant (Variation ID: 464914). This variant has not been reported in the literature in individuals affected with SCN2A-related conditions. This variant is not present in population databases (gnomAD no frequency). This sequence change creates a premature translational stop signal (p.Gln1709Lysfs*12) in the SCN2A gene. While this is not anticipated to result in nonsense mediated decay, it is expected to disrupt the last 297 amino acid(s) of the SCN2A protein.